The following is an entry in ClinVar:

ClinVar aggregate classification (germline): Uncertain significance (1 of 4 stars; one submission).

Allele frequency attached by ClinVar (database versions not stated): gnomAD exomes below 0.00001.
gnomAD v4.1: 6 of 1,614,118 alleles (0.00037%); highest among the groups gnomAD compares: Admixed American, 0.005%; no homozygotes.

Submission:

Labcorp Genetics (formerly Invitae), Labcorp
Classification: Uncertain significance. Last evaluated: 2026-01-06. Review status: criteria provided, single submitter. Criteria: Invitae Variant Classification Sherloc (09022015). Collection method: clinical testing. Allele origin: germline.
Comment: This sequence change replaces arginine, which is basic and polar, with cysteine, which is neutral and slightly polar, at codon 578 of the DSG1 protein (p.Arg578Cys). This variant is present in population databases (no rsID available, gnomAD 0.006%). This variant has not been reported in the literature in individuals affected with DSG1-related conditions. ClinVar contains an entry for this variant (Variation ID: 1917073). Invitae Evidence Modeling of protein sequence and biophysical properties (such as structural, functional, and spatial information, amino acid conservation, physicochemical variation, residue mobility, and thermodynamic stability) indicates that this missense variant is not expected to disrupt DSG1 protein function with a negative predictive value of 80%. Algorithms developed to predict the effect of sequence changes on RNA splicing suggest that this variant may disrupt the consensus splice site. In summary, the available evidence is currently insufficient to determine the role of this variant in disease. Therefore, it has been classified as a Variant of Uncertain Significance.

NM_001942.4(DSG1):c.1732C>T (p.Arg578Cys)

Genes: DSG1 (desmoglein 1; plus strand), DSG1-AS1 (DSG1 antisense RNA 1; minus strand). Cytogenetic location: 18q12.1.
Variant type: single nucleotide variant.
Coding change: c.1732C>T on transcript NM_001942.4 (MANE Select); coding-DNA position 1732, C replaced by T.
Protein change: p.Arg578Cys; replaces arginine 578 with cysteine.
Molecular consequence: missense variant. On other transcripts: non-coding transcript variant (2).
Genome position (GRCh38, 1-based): chr18:31,343,494, C>T. VCF-style: chr18-31343494-C-T. GRCh37 (hg19) VCF-style: chr18-28923457-C-T.
Other names: short protein forms R578C.
Identifiers: ClinVar variation 1917073 (VCV001917073.5), dbSNP rs868433988, ClinGen allele CA297699740.